The following is an entry in ClinVar:

ClinVar aggregate classification (germline): Conflicting classifications of pathogenicity. Review status: criteria provided, conflicting classifications (1 of 4 stars). 3 submissions from 3 submitters: Uncertain significance (1); Likely benign (2). Last evaluated 2026-04-23.

Conditions:
CDH11-related disorder. Also called: CDH11-related condition.

Allele frequency attached by ClinVar (database versions not stated): gnomAD exomes 0.00013; 1000 Genomes Project 30x 0.00016; 1000 Genomes Project 0.00020; TOPMed 0.00037.
gnomAD v4.1: 225 of 1,613,568 alleles (0.014%); highest among the groups gnomAD compares: East Asian, 0.42%; no homozygotes.

Submissions (3):

PreventionGenetics, part of Exact Sciences
Classification: Likely benign for CDH11-related condition. Last evaluated: 2026-04-23. Review status: criteria provided, single submitter. Criteria: ACMG Guidelines, 2015. Collection method: clinical testing. Allele origin: germline.
Comment: This variant is classified as likely benign based on ACMG/AMP sequence variant interpretation guidelines (Richards et al. 2015 PMID: 25741868, with internal and published modifications).

Blueprint Genetics
Classification: Uncertain significance. Last evaluated: 2024-01-22. Review status: criteria provided, single submitter. Criteria: ACMG Guidelines, 2015. Collection method: clinical testing. Allele origin: germline.

Labcorp Genetics (formerly Invitae), Labcorp
Classification: Likely benign. Last evaluated: 2018-12-04. Review status: criteria provided, single submitter. Criteria: Invitae Variant Classification Sherloc (09022015). Collection method: clinical testing. Allele origin: germline.

NM_001797.4(CDH11):c.932A>G (p.Asp311Gly)

Gene: CDH11 (cadherin 11; minus strand). Cytogenetic location: 16q21.
Variant type: single nucleotide variant.
Coding change: c.932A>G on transcript NM_001797.4 (MANE Select); coding-DNA position 932, A replaced by G.
Protein change: p.Asp311Gly; replaces aspartic acid 311 with glycine.
Molecular consequence: missense variant.
Genome position (GRCh38, 1-based): chr16:64,988,224, T>C on the plus strand (A>G on the coding strand, the complement: CDH11 is on the minus strand). VCF-style: chr16-64988224-T-C. GRCh37 (hg19) VCF-style: chr16-65022127-T-C.
Other names: c.932A>G, p.Asp311Gly (NM_001308392.2); c.554A>G, p.Asp185Gly (NM_001330576.2); short protein forms D185G, D311G.
Identifiers: ClinVar variation 725986 (VCV000725986.5), dbSNP rs201110794, ClinGen allele CA8092266.